The following is an entry in ClinVar:

NM_001083116.3(PRF1):c.353C>T (p.Ala118Val)

Gene: PRF1 (perforin 1; minus strand). Cytogenetic location: 10q22.1.
Variant type: single nucleotide variant.
Coding change: c.353C>T on transcript NM_001083116.3 (MANE Select); coding-DNA position 353, C replaced by T.
Protein change: p.Ala118Val; replaces alanine 118 with valine.
Molecular consequence: missense variant.
Genome position (GRCh38, 1-based): chr10:70,600,550, G>A on the plus strand (C>T on the coding strand, the complement: PRF1 is on the minus strand). VCF-style: chr10-70600550-G-A. GRCh37 (hg19) VCF-style: chr10-72360306-G-A.
Other names: c.353C>T, p.Ala118Val (NM_005041.6); short protein forms A118V.
Identifiers: ClinVar variation 4802622 (VCV004802622.1).

ClinVar aggregate classification (germline): Uncertain significance (1 of 4 stars; one submission).

Conditions:
Familial hemophagocytic lymphohistiocytosis 2 (FHL2). Also called: PRF1-Related Familial Hemophagocytic Lymphohistiocytosis (PRF1-fHLH). Identifiers: Orphanet 540, MedGen C1863727, MONDO:0011337, OMIM 603553.

Submission:

Labcorp Genetics (formerly Invitae), Labcorp
Classification: Uncertain significance for Familial hemophagocytic lymphohistiocytosis 2. Last evaluated: 2025-06-19. Review status: criteria provided, single submitter. Criteria: Invitae Variant Classification Sherloc (09022015). Collection method: clinical testing. Allele origin: germline.
Comment: This sequence change replaces alanine, which is neutral and non-polar, with valine, which is neutral and non-polar, at codon 118 of the PRF1 protein (p.Ala118Val). This variant is not present in population databases (gnomAD no frequency). This variant has not been reported in the literature in individuals affected with PRF1-related conditions. Invitae Evidence Modeling of protein sequence and biophysical properties (such as structural, functional, and spatial information, amino acid conservation, physicochemical variation, residue mobility, and thermodynamic stability) has been performed for this missense variant. However, the output from this modeling did not meet the statistical confidence thresholds required to predict the impact of this variant on PRF1 protein function. In summary, the available evidence is currently insufficient to determine the role of this variant in disease. Therefore, it has been classified as a Variant of Uncertain Significance.